The following is an entry in ClinVar:

NM_001267550.2(TTN):c.106661A>G (p.Glu35554Gly)

Genes: TTN (titin; minus strand), TTN-AS1 (TTN antisense RNA 1; plus strand). Cytogenetic location: 2q31.2.
Variant type: single nucleotide variant.
Coding change: c.106661A>G on transcript NM_001267550.2 (MANE Select); coding-DNA position 106661, A replaced by G.
Protein change: p.Glu35554Gly; replaces glutamic acid 35554 with glycine.
Molecular consequence: missense variant.
Genome position (GRCh38, 1-based): chr2:178,529,090, T>C on the plus strand (A>G on the coding strand, the complement: TTN is on the minus strand). VCF-style: chr2-178529090-T-C. GRCh37 (hg19) VCF-style: chr2-179393817-T-C.
Other names: c.101738A>G, p.Glu33913Gly (NM_001256850.1); c.79466A>G, p.Glu26489Gly (NM_003319.4); c.98957A>G, p.Glu32986Gly (NM_133378.4); c.79841A>G, p.Glu26614Gly (NM_133432.3); c.80042A>G, p.Glu26681Gly (NM_133437.4); short protein forms E26489G, E26614G, E32986G, E35554G, E26681G, E33913G.
Identifiers: ClinVar variation 2922248 (VCV002922248.3), dbSNP rs2468310907, ClinGen allele CA349403785.

ClinVar aggregate classification (germline): Uncertain significance (1 of 4 stars; one submission).

Conditions:
Dilated cardiomyopathy 1G (CMD1G). Identifiers: Orphanet 154, MedGen C1858763, MONDO:0011400, OMIM 604145.
Autosomal recessive limb-girdle muscular dystrophy type 2J (LGMDR10). Also called: Limb-girdle muscular dystrophy, type 2J; MUSCULAR DYSTROPHY, LIMB-GIRDLE, AUTOSOMAL RECESSIVE 10. Identifiers: Orphanet 140922, MedGen C1837342, MONDO:0012127, OMIM 608807.

Submission:

Labcorp Genetics (formerly Invitae), Labcorp
Classification: Uncertain significance for Dilated cardiomyopathy 1G; Autosomal recessive limb-girdle muscular dystrophy type 2J. Last evaluated: 2024-01-16. Review status: criteria provided, single submitter. Criteria: Invitae Variant Classification Sherloc (09022015). Collection method: clinical testing. Allele origin: germline.
Comment: This sequence change replaces glutamic acid, which is acidic and polar, with glycine, which is neutral and non-polar, at codon 35554 of the TTN protein (p.Glu35554Gly). This variant is not present in population databases (gnomAD no frequency). This variant has not been reported in the literature in individuals affected with TTN-related conditions. Experimental studies and prediction algorithms are not available or were not evaluated, and the functional significance of this variant is currently unknown. This variant is located in the M band of TTN (PMID: 25589632). Non-truncating variants in this region may be relevant for neuromuscular disorders, but have not been definitively shown to cause cardiomyopathy (PMID: 23975875). In summary, the available evidence is currently insufficient to determine the role of this variant in disease. Therefore, it has been classified as a Variant of Uncertain Significance.

Literature cited by the submitters: PubMed 25589632; PubMed 23975875.